The following is an entry in ClinVar:

ClinVar aggregate classification (germline): Uncertain significance (1 of 4 stars; one submission).

Conditions:
Infantile spasms. Also called: Infantile spasm. Identifiers: MedGen C3887898, HP:0012469.

Allele frequency attached by ClinVar (database versions not stated): gnomAD 0.00001; gnomAD exomes 0.00004 and 0.00006; TOPMed 0.00005; ExAC 0.00007.
gnomAD v4.1: 55 of 1,613,458 alleles (0.0034%); highest among the groups gnomAD compares: Admixed American, 0.018%; no homozygotes.

Submission:

Labcorp Genetics (formerly Invitae), Labcorp
Classification: Uncertain significance for Infantile spasms. Last evaluated: 2025-10-22. Review status: criteria provided, single submitter. Criteria: Invitae Variant Classification Sherloc (09022015). Collection method: clinical testing. Allele origin: germline.
Comment: This sequence change replaces arginine, which is basic and polar, with glutamine, which is neutral and polar, at codon 478 of the PIK3AP1 protein (p.Arg478Gln). This variant is present in population databases (rs760805333, gnomAD 0.03%), and has an allele count higher than expected for a pathogenic variant. This variant has not been reported in the literature in individuals affected with PIK3AP1-related conditions. ClinVar contains an entry for this variant (Variation ID: 574725). An algorithm developed to predict the effect of missense changes on protein structure and function outputs the following: PolyPhen-2: "Benign". The glutamine amino acid residue is found in multiple mammalian species, which suggests that this missense change does not adversely affect protein function. In summary, the available evidence is currently insufficient to determine the role of this variant in disease. Therefore, it has been classified as a Variant of Uncertain Significance.

NM_152309.3(PIK3AP1):c.1433G>A (p.Arg478Gln)

Gene: PIK3AP1 (phosphoinositide-3-kinase adaptor protein 1; minus strand). Cytogenetic location: 10q24.1.
Variant type: single nucleotide variant.
Coding change: c.1433G>A on transcript NM_152309.3 (MANE Select); coding-DNA position 1433, G replaced by A.
Protein change: p.Arg478Gln; replaces arginine 478 with glutamine.
Molecular consequence: missense variant.
Genome position (GRCh38, 1-based): chr10:96,628,436, C>T on the plus strand (G>A on the coding strand, the complement: PIK3AP1 is on the minus strand). VCF-style: chr10-96628436-C-T. GRCh37 (hg19) VCF-style: chr10-98388193-C-T.
Other names: short protein forms R478Q.
Identifiers: ClinVar variation 574725 (VCV000574725.9), dbSNP rs760805333, ClinGen allele CA5626258.